The following is an entry in ClinVar:

ClinVar aggregate classification (germline): Conflicting classifications of pathogenicity. Review status: criteria provided, conflicting classifications (1 of 4 stars). 3 submissions from 3 submitters: Uncertain significance (2); Likely benign (1). Last evaluated 2026-07-30.

Conditions:
Hereditary cancer-predisposing syndrome. Also called: Hereditary Cancer Syndrome; Neoplastic Syndromes, Hereditary; Hereditary neoplastic syndrome; Tumor predisposition. Identifiers: Orphanet 140162, MedGen C0027672, MeSH D009386, MONDO:0015356.
Tuberous sclerosis syndrome (TSC). Also called: Tuberous Sclerosis Complex; Tuberous sclerosis. Identifiers: Orphanet 805, MedGen C0041341, MONDO:0001734.
Tuberous sclerosis 1 (TSC1). Identifiers: Orphanet 805, MedGen C1854465, MONDO:0008612, OMIM 191100.

Allele frequency attached by ClinVar (database versions not stated): TOPMed below 0.00001.

Submissions (3):

Ambry Genetics
Classification: Likely benign for Hereditary cancer-predisposing syndrome. Last evaluated: 2026-07-30. Review status: criteria provided, single submitter. Criteria: Ambry Variant Classification Scheme 2023. Collection method: clinical testing. Allele origin: germline.

Labcorp Genetics (formerly Invitae), Labcorp
Classification: Uncertain significance for Tuberous sclerosis 1. Last evaluated: 2025-10-07. Review status: criteria provided, single submitter. Criteria: Invitae Variant Classification Sherloc (09022015). Collection method: clinical testing. Allele origin: germline.
Comment: This sequence change replaces threonine, which is neutral and polar, with alanine, which is neutral and non-polar, at codon 1020 of the TSC1 protein (p.Thr1020Ala). This variant is not present in population databases (gnomAD no frequency). This variant has not been reported in the literature in individuals affected with TSC1-related conditions. ClinVar contains an entry for this variant (Variation ID: 1406398). Invitae Evidence Modeling of protein sequence and biophysical properties (such as structural, functional, and spatial information, amino acid conservation, physicochemical variation, residue mobility, and thermodynamic stability) indicates that this missense variant is not expected to disrupt TSC1 protein function with a negative predictive value of 95%. In summary, the available evidence is currently insufficient to determine the role of this variant in disease. Therefore, it has been classified as a Variant of Uncertain Significance.

All of Us Research Program, National Institutes of Health
Classification: Uncertain significance for Tuberous sclerosis syndrome. Last evaluated: 2024-08-23. Review status: criteria provided, single submitter. Criteria: ACMG Guidelines, 2015. Collection method: clinical testing. Allele origin: germline. Inheritance: Autosomal dominant inheritance. Observed: 1 variant allele, 1 heterozygote.
Comment: This missense variant replaces threonine with alanine at codon 1020 of the TSC1 protein. Computational prediction suggests that this variant may not impact protein structure and function (internally defined REVEL score threshold <= 0.5, PMID: 27666373). To our knowledge, functional studies have not been reported for this variant. This variant has not been reported in individuals affected with TSC1-related disorders in the literature. This variant has not been identified in the general population by the Genome Aggregation Database (gnomAD). The available evidence is insufficient to determine the role of this variant in disease conclusively. Therefore, this variant is classified as a Variant of Uncertain Significance.

This study involves interpretation of variants in research participants for the purpose of population health screening. Participant phenotype was not available at the time of variant classification. Additional details can be found in publication PMID: 35346344, PMCID: PMC8962531

NM_000368.5(TSC1):c.3058A>G (p.Thr1020Ala)

Gene: TSC1 (TSC complex subunit 1; minus strand). Cytogenetic location: 9q34.13.
Variant type: single nucleotide variant.
Coding change: c.3058A>G on transcript NM_000368.5 (MANE Select); coding-DNA position 3058, A replaced by G.
Protein change: p.Thr1020Ala; replaces threonine 1020 with alanine.
Molecular consequence: missense variant.
Genome position (GRCh38, 1-based): chr9:132,896,672, T>C on the plus strand (A>G on the coding strand, the complement: TSC1 is on the minus strand). VCF-style: chr9-132896672-T-C. GRCh37 (hg19) VCF-style: chr9-135772059-T-C.
Other names: c.3058A>G (NM_000368.4); c.3055A>G, p.Thr1019Ala (NM_001162426.2); c.2905A>G, p.Thr969Ala (NM_001162427.2); c.2695A>G, p.Thr899Ala (NM_001362177.2); short protein forms T1019A, T969A, T1020A, T899A.
Identifiers: ClinVar variation 1406398 (VCV001406398.9), dbSNP rs1588287982, ClinGen allele CA375367660.